The following is an entry in ClinVar:

NC_012920.1(MT-ATP6):m.8812A>G

Gene: MT-ATP6 (mitochondrially encoded ATP synthase 6; plus strand).
Variant type: single nucleotide variant.
Genome position: chrM-8812-A-G.
Identifiers: ClinVar variation 692990 (VCV000692990.1), dbSNP rs1556423543, ClinGen allele CA414798227.

ClinVar aggregate classification (germline): Benign (1 of 4 stars; one submission).

Conditions:
Leigh syndrome (NULS). Also called: Leigh's necrotizing encephalopathy; Leigh's disease; Leigh Syndrome (mtDNA deletion); Leigh Disease; Subacute necrotizing encephalopathy; Necrotizing encephalopathy infantile subacute of Leigh. Identifiers: Orphanet 506, MedGen C2931891, MONDO:0009723, OMIM 256000.

Submission:

Wong Mito Lab, Molecular and Human Genetics, Baylor College of Medicine
Classification: Benign for Leigh syndrome. Last evaluated: 2019-10-17. Review status: criteria provided, single submitter. Criteria: Modified ACMG Guidelines (Unpublished). Collection method: clinical testing. Allele origin: germline.
Comment: The NC_012920.1:m.8812A>G (YP_003024031.1:p.Thr96Ala) variant in MTATP6 gene is interpretated to be a Benign variant based on the modified ACMG guidelines (unpublished). This variant meets the following evidence codes: BS1, BS2